The following is an entry in ClinVar:

ClinVar aggregate classification (germline): Uncertain significance (1 of 4 stars; one submission).

Allele frequency attached by ClinVar (database versions not stated): gnomAD 0.00001; gnomAD exomes 0.00001.
gnomAD v4.1: 13 of 1,613,904 alleles (0.00081%); highest among the groups gnomAD compares: African/African-American, 0.0027%; no homozygotes.

Submission:

Labcorp Genetics (formerly Invitae), Labcorp
Classification: Uncertain significance. Last evaluated: 2024-07-02. Review status: criteria provided, single submitter. Criteria: Invitae Variant Classification Sherloc (09022015). Collection method: clinical testing. Allele origin: germline.
Comment: This sequence change replaces arginine, which is basic and polar, with glutamine, which is neutral and polar, at codon 232 of the ERBB4 protein (p.Arg232Gln). This variant is present in population databases (no rsID available, gnomAD 0.008%). This variant has not been reported in the literature in individuals affected with ERBB4-related conditions. Advanced modeling of protein sequence and biophysical properties (such as structural, functional, and spatial information, amino acid conservation, physicochemical variation, residue mobility, and thermodynamic stability) performed at Invitae indicates that this missense variant is not expected to disrupt ERBB4 protein function with a negative predictive value of 80%. In summary, the available evidence is currently insufficient to determine the role of this variant in disease. Therefore, it has been classified as a Variant of Uncertain Significance.

NM_005235.3(ERBB4):c.695G>A (p.Arg232Gln)

Gene: ERBB4 (erb-b2 receptor tyrosine kinase 4; minus strand). Cytogenetic location: 2q34.
Variant type: single nucleotide variant.
Coding change: c.695G>A on transcript NM_005235.3 (MANE Select); coding-DNA position 695, G replaced by A.
Protein change: p.Arg232Gln; replaces arginine 232 with glutamine.
Molecular consequence: missense variant.
Genome position (GRCh38, 1-based): chr2:211,725,122, C>T on the plus strand (G>A on the coding strand, the complement: ERBB4 is on the minus strand). VCF-style: chr2-211725122-C-T. GRCh37 (hg19) VCF-style: chr2-212589847-C-T.
Other names: c.695G>A, p.Arg232Gln (NM_001042599.2); short protein forms R232Q.
Identifiers: ClinVar variation 2971311 (VCV002971311.3), dbSNP rs1476386458, ClinGen allele CA350444810.
Genomic context (GRCh38, chr2:211,725,122, plus strand): 5'-AATCACAGACATACAAAGCAGTCTGTGTCCTTAGGTCCTGAGCAGCCTCCAGCACATTCT[C>T]GATGGCAGCAGTCACTGACGTAAGGTCCGTAGCATCTGCCGTCACATTGTTCTGCACACA-3'
Protein context (NP_005226.1, residues 222-242): YGPYVSDCCH[Arg232Gln]ECAGGCSGPK